The following is an entry in ClinVar:

ClinVar aggregate classification (germline): Uncertain significance (1 of 4 stars; one submission).

Allele frequency attached by ClinVar (database versions not stated): gnomAD exomes below 0.00001.
gnomAD v4.1: 3 of 1,601,090 alleles (0.00019%); highest among the groups gnomAD compares: Non-Finnish European, 0.00017%; no homozygotes.

Submission:

CeGaT Center for Human Genetics Tuebingen
Classification: Uncertain significance. Last evaluated: 2023-06-01. Review status: criteria provided, single submitter. Criteria: CeGaT Center For Human Genetics Tuebingen Variant Classification Criteria Version 2. Collection method: clinical testing. Allele origin: germline. Affected: yes. Observed: 1 variant allele.
Comment: SIPA1L3: PM2

NM_015073.3(SIPA1L3):c.38A>G (p.Asp13Gly)

Gene: SIPA1L3 (signal induced proliferation associated 1 like 3; plus strand). Cytogenetic location: 19q13.13.
Variant type: single nucleotide variant.
Coding change: c.38A>G on transcript NM_015073.3 (MANE Select); coding-DNA position 38, A replaced by G.
Protein change: p.Asp13Gly; replaces aspartic acid 13 with glycine.
Molecular consequence: missense variant.
Genome position (GRCh38, 1-based): chr19:38,081,603, A>G. VCF-style: chr19-38081603-A-G. GRCh37 (hg19) VCF-style: chr19-38572243-A-G.
Other names: short protein forms D13G.
Identifiers: ClinVar variation 2649780 (VCV002649780.24), dbSNP rs994669931, ClinGen allele CA308042734.